The following is an entry in ClinVar:

NM_004004.6(GJB2):c.301_303del (p.Glu101del)

Gene: GJB2 (gap junction protein beta 2; minus strand). Cytogenetic location: 13q12.11.
Variant type: Deletion.
Coding change: c.301_303del on transcript NM_004004.6 (MANE Select); coding-DNA positions 301 to 303, 3 bases deleted (GAG; older notation c.301_303delGAG).
Protein change: p.Glu101del; deletes glutamic acid 101.
Molecular consequence: inframe deletion.
Genome position (GRCh38, 1-based): chr13:20,189,279-20,189,281, CTC deleted on the plus strand (GAG on the coding strand, the reverse complement: GJB2 is on the minus strand). VCF-style (leftmost placement, unchanged base first): chr13-20189278-TCTC-T. GRCh37 (hg19) VCF-style: chr13-20763417-TCTC-T.
Other names: c.301_303delGAG (NM_004004.5); c.301_303del (NM_004004.5); short protein forms E101del.
Identifiers: ClinVar variation 556293 (VCV000556293.3), dbSNP rs1555341937, ClinGen allele CA658823458.

ClinVar aggregate classification (germline): Uncertain significance. Review status: criteria provided, single submitter (1 of 4 stars). 2 submissions from 2 submitters: Uncertain significance (1). 1 of the submissions does not count toward it. Last evaluated 2025-06-19.

Conditions:
Autosomal recessive nonsyndromic hearing loss 1A (DFNB1A). Also called: Nonsyndromic Hearing Loss and Deafness, DFNB1; Deafness, autosomal recessive 1A; GJB6-Related DFNB 1 Nonsyndromic Hearing Loss and Deafness; GJB2-Related Autosomal Recessive Nonsyndromic Hearing Loss; Connexin 26 deafness; Deafness nonsyndromic, Connexin 26 linked. Identifiers: Orphanet 90636, MedGen C2673759, MONDO:0009076, OMIM 220290.

Allele frequency attached by ClinVar (database versions not stated): gnomAD exomes below 0.00001.

Submissions (2):

Athena Diagnostics
Classification: Uncertain significance. Last evaluated: 2025-06-19. Review status: criteria provided, single submitter. Criteria: Athena Diagnostics Criteria. Collection method: clinical testing. Allele origin: unknown.
Comment: Available data are insufficient to determine the clinical significance of the variant at this time. This variant has not been reported in large, multi-ethnic general populations. This variant has been identified in at least one individual with clinical features associated with this gene.

Counsyl
Classification: Uncertain significance for Autosomal recessive nonsyndromic hearing loss 1A. Last evaluated: 2018-01-24. Review status: no assertion criteria provided. Collection method: clinical testing. Allele origin: unknown. Not counted in ClinVar's aggregate classification.

Literature cited by the submitters: PubMed 30139988 (cited by Athena Diagnostics); PubMed 24793888 (cited by Athena Diagnostics and Counsyl); PubMed 27518711 (cited by Athena Diagnostics and Counsyl).